The following is an entry in ClinVar:

ClinVar aggregate classification (germline): Uncertain significance (1 of 4 stars; one submission).

Conditions:
Hereditary cancer-predisposing syndrome. Also called: Neoplastic Syndromes, Hereditary; Tumor predisposition; Hereditary Cancer Syndrome; Hereditary neoplastic syndrome. Identifiers: Orphanet 140162, MedGen C0027672, MeSH D009386, MONDO:0015356.

Submission:

Ambry Genetics
Classification: Uncertain significance for Hereditary cancer-predisposing syndrome. Last evaluated: 2025-09-12. Review status: criteria provided, single submitter. Criteria: Ambry Variant Classification Scheme 2023. Collection method: clinical testing. Allele origin: germline.
Comment: The c.333_344del12 variant (also known as p.E111_N114del) is located in coding exon 3 of the SDHAF2 gene. This variant results from an in-frame GCCTAGTAATGA deletion at nucleotide positions 333 to 344. This results in the in-frame deletion of amino acids at codons 111 to 114. This amino acid region is highly conserved in available vertebrate species. In addition, this variant is predicted to be deleterious by in silico analysis (Choi Y et al. PLoS ONE. 2012; 7(10):e46688). Based on the available evidence, the clinical significance of this variant remains unclear.

NM_017841.4(SDHAF2):c.333_344del (p.Glu111_Asn114del)

Gene: SDHAF2 (succinate dehydrogenase complex assembly factor 2; plus strand). Cytogenetic location: 11q12.2.
Variant type: Deletion.
Coding change: c.333_344del on transcript NM_017841.4 (MANE Select); coding-DNA positions 333 to 344, 12 bases deleted (GCCTAGTAATGA).
Protein change: p.Glu111_Asn114del.
Molecular consequence: inframe indel (on NM_017841.2).
Genome position (GRCh38, 1-based): chr11:61,438,076-61,438,087, GCCTAGTAATGA deleted; deleting any 12 consecutive bases within chr11:61,438,074-61,438,087 gives the same sequence; the c. name uses the placement nearest the transcript's 3' end. VCF-style (leftmost placement, unchanged base first): chr11-61438073-CGAGCCTAGTAAT-C. GRCh37 (hg19) VCF-style: chr11-61205545-CGAGCCTAGTAAT-C.
Other names: c.333_344del12 (NM_017841.2).
Identifiers: ClinVar variation 4161228 (VCV004161228.1).